The following is an entry in ClinVar:

NM_014363.6(SACS):c.6822_6833del (p.Ser2275_Val2278del)

Gene: SACS (sacsin molecular chaperone; minus strand). Cytogenetic location: 13q12.12.
Variant type: Deletion.
Coding change: c.6822_6833del on transcript NM_014363.6 (MANE Select); coding-DNA positions 6822 to 6833, 12 bases deleted (GTCATTGGCTGT).
Protein change: p.Ser2275_Val2278del.
Molecular consequence: inframe deletion.
Genome position (GRCh38, 1-based): chr13:23,337,043-23,337,054, ACAGCCAATGAC deleted on the plus strand (GTCATTGGCTGT on the coding strand, the reverse complement: SACS is on the minus strand); deleting any 12 consecutive bases within chr13:23,337,043-23,337,056 gives the same sequence; the c. name uses the placement nearest the transcript's 3' end. VCF-style (leftmost placement, unchanged base first): chr13-23337042-AACAGCCAATGAC-A. GRCh37 (hg19) VCF-style: chr13-23911181-AACAGCCAATGAC-A.
Other names: c.6381_6392del, p.Ser2128_Val2131del (NM_001278055.2).
Identifiers: ClinVar variation 2009464 (VCV002009464.4), dbSNP rs2542243540, ClinGen allele CA2580087140.

ClinVar aggregate classification (germline): Uncertain significance (1 of 4 stars; one submission).

Conditions:
Spastic paraplegia. Identifiers: MedGen C0037772, HP:0001258.

Submission:

Labcorp Genetics (formerly Invitae), Labcorp
Classification: Uncertain significance for Spastic paraplegia. Last evaluated: 2022-06-22. Review status: criteria provided, single submitter. Criteria: Invitae Variant Classification Sherloc (09022015). Collection method: clinical testing. Allele origin: germline.
Comment: In summary, the available evidence is currently insufficient to determine the role of this variant in disease. Therefore, it has been classified as a Variant of Uncertain Significance. Experimental studies and prediction algorithms are not available or were not evaluated, and the functional significance of this variant is currently unknown. This variant has not been reported in the literature in individuals affected with SACS-related conditions. This variant is not present in population databases (gnomAD no frequency). This variant, c.6822_6833del, results in the deletion of 4 amino acid(s) of the SACS protein (p.Ser2275_Val2278del), but otherwise preserves the integrity of the reading frame.